The following is an entry in ClinVar:

NM_152564.5(VPS13B):c.11356G>A (p.Gly3786Arg)

Gene: VPS13B (vacuolar protein sorting 13 homolog B; plus strand). Cytogenetic location: 8q22.2.
Variant type: single nucleotide variant.
Coding change: c.11356G>A on transcript NM_152564.5 (MANE Select); coding-DNA position 11356, G replaced by A.
Protein change: p.Gly3786Arg; replaces glycine 3786 with arginine.
Molecular consequence: missense variant.
Genome position (GRCh38, 1-based): chr8:99,868,429, G>A. VCF-style: chr8-99868429-G-A. GRCh37 (hg19) VCF-style: chr8-100880657-G-A.
Other names: c.11431G>A, p.Gly3811Arg (NM_017890.5); c.11356G>A (NM_152564.4); short protein forms G3786R, G3811R.
Identifiers: ClinVar variation 953839 (VCV000953839.8), dbSNP rs768255145, ClinGen allele CA4825213.

ClinVar aggregate classification (germline): Uncertain significance. Review status: criteria provided, multiple submitters, no conflicts (2 of 4 stars). 3 submissions from 3 submitters: Uncertain significance (2). 1 of the submissions does not count toward it. Last evaluated 2025-11-18.

Conditions:
VPS13B-related disorder. Also called: VPS13B-related condition.
Cohen syndrome (COH1). Also called: Cutis verticis gyrata, retinitis pigmentosa, and sensorineural deafness; PEPPER SYNDROME. Identifiers: Orphanet 193, MedGen C0265223, MONDO:0008999, OMIM 216550.

Allele frequency attached by ClinVar (database versions not stated): gnomAD exomes below 0.00001 and 0.00001; ExAC 0.00002.
gnomAD v4.1: 13 of 1,613,794 alleles (0.00081%); highest among the groups gnomAD compares: South Asian, 0.0022%; no homozygotes.

Submissions (3):

PreventionGenetics, part of Exact Sciences
Classification: Uncertain significance for VPS13B-related condition. Last evaluated: 2025-11-18. Review status: criteria provided, single submitter. Criteria: ACMG Guidelines, 2015. Collection method: clinical testing. Allele origin: germline.
Comment: The VPS13B c.11356G>A variant is predicted to result in the amino acid substitution p.Gly3786Arg. To our knowledge, this variant has not been reported in the literature. This variant is reported in 0.0033% of alleles in individuals of South Asian descent in gnomAD. At this time, the clinical significance of this variant is uncertain due to the absence of conclusive functional and genetic evidence.

Labcorp Genetics (formerly Invitae), Labcorp
Classification: Uncertain significance for Cohen syndrome. Last evaluated: 2023-07-10. Review status: criteria provided, single submitter. Criteria: Invitae Variant Classification Sherloc (09022015). Collection method: clinical testing. Allele origin: germline.
Comment: This sequence change replaces glycine, which is neutral and non-polar, with arginine, which is basic and polar, at codon 3811 of the VPS13B protein (p.Gly3811Arg). This variant is present in population databases (rs768255145, gnomAD 0.003%). This variant has not been reported in the literature in individuals affected with VPS13B-related conditions. ClinVar contains an entry for this variant (Variation ID: 953839). Advanced modeling of protein sequence and biophysical properties (such as structural, functional, and spatial information, amino acid conservation, physicochemical variation, residue mobility, and thermodynamic stability) performed at Invitae indicates that this missense variant is expected to disrupt VPS13B protein function. In summary, the available evidence is currently insufficient to determine the role of this variant in disease. Therefore, it has been classified as a Variant of Uncertain Significance.

Natera, Inc.
Classification: Uncertain significance for Cohen syndrome. Last evaluated: 2020-03-20. Review status: no assertion criteria provided. Collection method: clinical testing. Allele origin: germline. Not counted in ClinVar's aggregate classification.